The following is an entry in ClinVar:

ClinVar aggregate classification (germline): Benign. Review status: criteria provided, multiple submitters, no conflicts (2 of 4 stars). 12 submissions from 11 submitters: Benign (9). 3 of the submissions do not count toward it. Last evaluated 2026-03-01.

Conditions:
Autosomal recessive nonsyndromic hearing loss 4 (DFNB4). Also called: FOXI1-Related Pendred Syndrome; KCNJ10-Related Pendred Syndrome; DEAFNESS, AUTOSOMAL RECESSIVE 4, WITH ENLARGED VESTIBULAR AQUEDUCT, DIGENIC; Deafness, autosomal recessive 4; Nonsyndromic enlarged vestibular aqueduct (NSEVA); NEUROSENSORY NONSYNDROMIC RECESSIVE DEAFNESS 4. Identifiers: Orphanet 90636, MedGen C3538946, MONDO:0010933, OMIM 600791.
Pendred syndrome (PDS). Also called: Pendred's syndrome; DEAFNESS WITH GOITER; GOITER-DEAFNESS SYNDROME; HYPOTHYROIDISM, CONGENITAL, DUE TO DYSHORMONOGENESIS, 2B; THYROID DYSHORMONOGENESIS 2B; THYROID HORMONOGENESIS, GENETIC DEFECT IN, 2B. Identifiers: Orphanet 705, MedGen C0271829, MONDO:0010134, OMIM 274600.

Allele frequency attached by ClinVar (database versions not stated): ESP Exome Variant Server 0.01046; TOPMed 0.01116; gnomAD exomes 0.00241 and 0.00093; ExAC 0.00308; 1000 Genomes Project 30x 0.00796; 1000 Genomes Project 0.00799; gnomAD 0.00923 and 0.01002.
gnomAD v4.1: 2,860 of 1,613,190 alleles (0.18%); highest among the groups gnomAD compares: African/African-American, 3%; 45 homozygotes.

Submissions (12):

CeGaT Center for Human Genetics Tuebingen
Classification: Benign. Last evaluated: 2026-03-01. Review status: criteria provided, single submitter. Criteria: CeGaT Center For Human Genetics Tuebingen Variant Classification Criteria Version 2. Collection method: clinical testing. Allele origin: germline. Affected: yes. Observed: 3 variant alleles.
Comment: SLC26A4: BS1, BS2

Labcorp Genetics (formerly Invitae), Labcorp
Classification: Benign. Last evaluated: 2026-02-04. Review status: criteria provided, single submitter. Criteria: Invitae Variant Classification Sherloc (09022015). Collection method: clinical testing. Allele origin: germline.

ARUP Laboratories, Molecular Genetics and Genomics, ARUP Laboratories
Classification: Benign. Last evaluated: 2023-09-21. Review status: criteria provided, single submitter. Criteria: ARUP Molecular Germline Variant Investigation Process 2024. Collection method: clinical testing. Allele origin: germline.

GeneDx
Classification: Benign. Last evaluated: 2018-03-19. Review status: criteria provided, single submitter. Criteria: GeneDx Variant Classification (06012015). Collection method: clinical testing. Allele origin: germline. Affected: yes.
Comment: This variant is considered likely benign or benign based on one or more of the following criteria: it is a conservative change, it occurs at a poorly conserved position in the protein, it is predicted to be benign by multiple in silico algorithms, and/or has population frequency not consistent with disease.

Eurofins Ntd Llc (ga)
Classification: Benign. Last evaluated: 2017-11-28. Review status: criteria provided, single submitter. Criteria: EGL Classification Definitions 2015. Collection method: clinical testing. Allele origin: germline. Observed: 1 variant allele, 1 heterozygote.

Illumina Laboratory Services, Illumina
Classification: Benign for Pendred syndrome. Last evaluated: 2017-04-28. Review status: criteria provided, single submitter. Criteria: ICSL Variant Classification Criteria 13 December 2019. Collection method: clinical testing. Allele origin: germline.
Comment: This variant was observed as part of a predisposition screen in an ostensibly healthy population. A literature search was performed for the gene, cDNA change, and amino acid change (where applicable). Publications were found based on this search. The evidence from the literature, in combination with allele frequency data from public databases where available, was sufficient to rule this variant out of causing disease. Therefore, this variant is classified as benign.

Illumina Laboratory Services, Illumina
Classification: Benign for Autosomal recessive nonsyndromic hearing loss 4. Last evaluated: 2017-04-28. Review status: criteria provided, single submitter. Criteria: ICSL Variant Classification Criteria 13 December 2019. Collection method: clinical testing. Allele origin: germline.
Comment: the same text as in the submission from Illumina Laboratory Services, Illumina above.

Center for Pediatric Genomic Medicine, Children's Mercy Hospital and Clinics
Classification: Benign. Last evaluated: 2016-07-08. Review status: criteria provided, single submitter. Criteria: ACMG Guidelines, 2015. Collection method: clinical testing. Allele origin: germline.

PreventionGenetics, part of Exact Sciences
Classification: Benign. Review status: criteria provided, single submitter. Criteria: ACMG Guidelines, 2015. Collection method: clinical testing. Allele origin: germline.

Natera, Inc.
Classification: Benign for Pendred syndrome. Last evaluated: 2020-09-16. Review status: no assertion criteria provided. Collection method: clinical testing. Allele origin: germline. Not counted in ClinVar's aggregate classification.

Counsyl
Classification: Likely benign for Pendred syndrome. Last evaluated: 2018-05-29. Review status: no assertion criteria provided. Collection method: clinical testing. Allele origin: unknown. Not counted in ClinVar's aggregate classification.

Laboratory for Molecular Medicine, Mass General Brigham Personalized Medicine
Classification: Benign. Last evaluated: 2008-08-27. Review status: no assertion criteria provided. Collection method: clinical testing. Allele origin: germline. Observed: 20 variant alleles. Not counted in ClinVar's aggregate classification.

Literature cited by the submitters: PubMed 24599119 (cited by Illumina Laboratory Services, Illumina); PubMed 21704276 (cited by Illumina Laboratory Services, Illumina and Counsyl); PubMed 23280318 (cited by Illumina Laboratory Services, Illumina and Counsyl).

NM_000441.2(SLC26A4):c.1002-9A>C

Gene: SLC26A4 (solute carrier family 26 member 4; plus strand). Cytogenetic location: 7q22.3.
Variant type: single nucleotide variant.
Coding change: c.1002-9A>C on transcript NM_000441.2 (MANE Select); 9 bases into the intron before coding-DNA position 1002, A replaced by C.
Molecular consequence: intron variant.
Genome position (GRCh38, 1-based): chr7:107,689,044, A>C. VCF-style: chr7-107689044-A-C. GRCh37 (hg19) VCF-style: chr7-107329489-A-C.
Identifiers: ClinVar variation 43489 (VCV000043489.58), dbSNP rs10234822, ClinGen allele CA132651.